The following is an entry in ClinVar:

ClinVar aggregate classification (germline): Pathogenic (1 of 4 stars; one submission).

Submission:

GeneDx
Classification: Pathogenic. Last evaluated: 2025-04-17. Review status: criteria provided, single submitter. Criteria: GeneDx Variant Classification Process June 2021. Collection method: clinical testing. Allele origin: germline. Affected: yes.
Comment: Not observed at significant frequency in large population cohorts (gnomAD); In silico analysis supports that this missense variant has a deleterious effect on protein structure/function; Has not been previously published as pathogenic or benign to our knowledge

NM_002709.3(PPP1CB):c.569G>A (p.Arg190Lys)

Gene: PPP1CB (protein phosphatase 1 catalytic subunit beta; plus strand). Cytogenetic location: 2p23.2.
Variant type: single nucleotide variant.
Coding change: c.569G>A on transcript NM_002709.3 (MANE Select); coding-DNA position 569, G replaced by A.
Protein change: p.Arg190Lys; replaces arginine 190 with lysine.
Molecular consequence: missense variant.
Genome position (GRCh38, 1-based): chr2:28,783,955, G>A. VCF-style: chr2-28783955-G-A. GRCh37 (hg19) VCF-style: chr2-29006821-G-A.
Other names: c.569G>A, p.Arg190Lys (NM_206876.2); short protein forms R190K.
Identifiers: ClinVar variation 4282429 (VCV004282429.1).